The following is an entry in ClinVar:

NM_001267550.2(TTN):c.105314A>G (p.Lys35105Arg)

Genes: TTN (titin; minus strand), TTN-AS1 (TTN antisense RNA 1; plus strand). Cytogenetic location: 2q31.2.
Variant type: single nucleotide variant.
Coding change: c.105314A>G on transcript NM_001267550.2 (MANE Select); coding-DNA position 105314, A replaced by G.
Protein change: p.Lys35105Arg; replaces lysine 35105 with arginine.
Molecular consequence: missense variant.
Genome position (GRCh38, 1-based): chr2:178,531,301, T>C on the plus strand (A>G on the coding strand, the complement: TTN is on the minus strand). VCF-style: chr2-178531301-T-C. GRCh37 (hg19) VCF-style: chr2-179396028-T-C.
Other names: c.100391A>G, p.Lys33464Arg (NM_001256850.1); c.78119A>G, p.Lys26040Arg (NM_003319.4); c.97610A>G, p.Lys32537Arg (NM_133378.4); c.78494A>G, p.Lys26165Arg (NM_133432.3); c.78695A>G, p.Lys26232Arg (NM_133437.4); short protein forms K33464R, K26040R, K32537R, K26232R, K26165R, K35105R.
Identifiers: ClinVar variation 1374494 (VCV001374494.6), dbSNP rs2154133421, ClinGen allele CA349409030.

ClinVar aggregate classification (germline): Uncertain significance (1 of 4 stars; one submission).

Conditions:
Dilated cardiomyopathy 1G (CMD1G). Identifiers: Orphanet 154, MedGen C1858763, MONDO:0011400, OMIM 604145.
Autosomal recessive limb-girdle muscular dystrophy type 2J (LGMDR10). Also called: MUSCULAR DYSTROPHY, LIMB-GIRDLE, AUTOSOMAL RECESSIVE 10; Limb-girdle muscular dystrophy, type 2J. Identifiers: Orphanet 140922, MedGen C1837342, MONDO:0012127, OMIM 608807.

Submission:

Labcorp Genetics (formerly Invitae), Labcorp
Classification: Uncertain significance for Dilated cardiomyopathy 1G; Autosomal recessive limb-girdle muscular dystrophy type 2J. Last evaluated: 2021-02-14. Review status: criteria provided, single submitter. Criteria: Invitae Variant Classification Sherloc (09022015). Collection method: clinical testing. Allele origin: germline.
Comment: This variant is not present in population databases (ExAC no frequency). This sequence change replaces lysine with arginine at codon 35105 of the TTN protein (p.Lys35105Arg). There is a small physicochemical difference between lysine and arginine. In summary, the available evidence is currently insufficient to determine the role of this variant in disease. Therefore, it has been classified as a Variant of Uncertain Significance. This variant is located in the M band of TTN (PMID: 25589632). Variants in this region may be relevant for neuromuscular disorders, but have not been definitively shown to cause cardiomyopathy (PMID: 23975875). Algorithms developed to predict the effect of missense changes on protein structure and function output the following: SIFT: "Not Available"; PolyPhen-2: "Not Available"; Align-GVGD: "Not Available". The arginine amino acid residue is found in multiple mammalian species, suggesting that this missense change does not adversely affect protein function. These predictions have not been confirmed by published functional studies and their clinical significance is uncertain. This variant has not been reported in the literature in individuals with TTN-related conditions.

Literature cited by the submitters: PubMed 25589632; PubMed 23975875.